The following is an entry in ClinVar:

ClinVar aggregate classification (germline): Uncertain significance (1 of 4 stars; one submission).

Conditions:
Inborn genetic diseases. Identifiers: MedGen C0950123, MeSH D030342.

Submission:

Ambry Genetics
Classification: Uncertain significance for Inborn genetic diseases. Last evaluated: 2026-05-14. Review status: criteria provided, single submitter. Criteria: Ambry Variant Classification Scheme 2023. Collection method: clinical testing. Allele origin: germline.
Comment: The p.G442W variant (also known as c.1324G>T), located in coding exon 9 of the CDH2 gene, results from a G to T substitution at nucleotide position 1324. The glycine at codon 442 is replaced by tryptophan, an amino acid with highly dissimilar properties. This amino acid position is conserved. In addition, this alteration is predicted to be deleterious by in silico analysis. Based on the available evidence, the clinical significance of this variant remains unclear.

NM_001792.5(CDH2):c.1324G>T (p.Gly442Trp)

Gene: CDH2 (cadherin 2; minus strand). Cytogenetic location: 18q12.1.
Variant type: single nucleotide variant.
Coding change: c.1324G>T on transcript NM_001792.5 (MANE Select); coding-DNA position 1324, G replaced by T.
Protein change: p.Gly442Trp; replaces glycine 442 with tryptophan.
Molecular consequence: missense variant.
Genome position (GRCh38, 1-based): chr18:27,992,675, C>A on the plus strand (G>T on the coding strand, the complement: CDH2 is on the minus strand). VCF-style: chr18-27992675-C-A. GRCh37 (hg19) VCF-style: chr18-25572639-C-A.
Other names: c.1231G>T, p.Gly411Trp (NM_001308176.2); short protein forms G411W, G442W.
Identifiers: ClinVar variation 4868424 (VCV004868424.1).